The following is an entry in ClinVar:

NM_003632.3(CNTNAP1):c.1628+5C>T

Gene: CNTNAP1 (contactin associated protein 1; plus strand). Cytogenetic location: 17q21.2.
Variant type: single nucleotide variant.
Coding change: c.1628+5C>T on transcript NM_003632.3 (MANE Select); 5 bases into the intron after coding-DNA position 1628, C replaced by T.
Molecular consequence: intron variant.
Genome position (GRCh38, 1-based): chr17:42,689,052, C>T. VCF-style: chr17-42689052-C-T. GRCh37 (hg19) VCF-style: chr17-40841070-C-T.
Other names: c.1628+5C>T (NM_003632.2).
Identifiers: ClinVar variation 1166759 (VCV001166759.15), dbSNP rs78630052, ClinGen allele CA8581827.

ClinVar aggregate classification (germline): Benign/Likely benign. Review status: criteria provided, multiple submitters, no conflicts (2 of 4 stars). 5 submissions from 5 submitters: Benign (2); Likely benign (2). 1 of the submissions does not count toward it. Last evaluated 2026-02-03.

Conditions:
CNTNAP1-related disorder. Also called: CNTNAP1-related condition; CNTNAP1-related disease.

Allele frequency attached by ClinVar (database versions not stated): 1000 Genomes Project 0.01558; 1000 Genomes Project 30x 0.01655; TOPMed 0.03095; gnomAD 0.03122 and 0.03280; gnomAD exomes 0.03218 and 0.04399; ExAC 0.03318; ESP Exome Variant Server 0.03529.
gnomAD v4.1: 66,186 of 1,558,852 alleles (4.2%); highest among the groups gnomAD compares: Non-Finnish European, 5.1%; 1,686 homozygotes.

Submissions (5):

Labcorp Genetics (formerly Invitae), Labcorp
Classification: Benign. Last evaluated: 2026-02-03. Review status: criteria provided, single submitter. Criteria: Invitae Variant Classification Sherloc (09022015). Collection method: clinical testing. Allele origin: germline.

GeneDx
Classification: Likely benign. Last evaluated: 2021-01-25. Review status: criteria provided, single submitter. Criteria: GeneDx Variant Classification Process June 2021. Collection method: clinical testing. Allele origin: germline. Affected: yes.

Mayo Clinic Laboratories, Mayo Clinic
Classification: Benign. Last evaluated: 2018-06-12. Review status: criteria provided, single submitter. Criteria: ACMG Guidelines, 2015. Collection method: clinical testing. Allele origin: germline. Observed: 150 variant alleles.

Breakthrough Genomics
Classification: Likely benign. Review status: criteria provided, single submitter. Criteria: ACMG Guidelines, 2015. Collection method: not provided. Allele origin: germline. Inheritance: Autosomal recessive inheritance. Affected: yes.

PreventionGenetics, part of Exact Sciences
Classification: Benign for CNTNAP1-related condition. Last evaluated: 2019-05-22. Review status: no assertion criteria provided. Collection method: clinical testing. Allele origin: germline. Not counted in ClinVar's aggregate classification.
Comment: This variant is classified as benign based on ACMG/AMP sequence variant interpretation guidelines (Richards et al. 2015 PMID: 25741868, with internal and published modifications).